The following is an entry in ClinVar:

ClinVar aggregate classification (germline): Benign (0 of 4 stars; one submission).

Conditions:
DNAH17-related disorder. Also called: DNAH17-related condition.

Allele frequency attached by ClinVar (database versions not stated): ESP Exome Variant Server 0.01083; TOPMed 0.01111; gnomAD exomes 0.01447; ExAC 0.01698; 1000 Genomes Project 0.01797; 1000 Genomes Project 30x 0.01827.
gnomAD v4.1: 23,147 of 1,613,972 alleles (1.4%); highest among the groups gnomAD compares: South Asian, 4.1%; 297 homozygotes.

Submission:

PreventionGenetics, part of Exact Sciences
Classification: Benign for DNAH17-related condition. Last evaluated: 2019-02-20. Review status: no assertion criteria provided. Collection method: clinical testing. Allele origin: germline.
Comment: This variant is classified as benign based on ACMG/AMP sequence variant interpretation guidelines (Richards et al. 2015 PMID: 25741868, with internal and published modifications).

NM_173628.4(DNAH17):c.96C>T (p.Gly32=)

Gene: DNAH17 (dynein axonemal heavy chain 17; minus strand). Cytogenetic location: 17q25.3.
Variant type: single nucleotide variant.
Coding change: c.96C>T on transcript NM_173628.4 (MANE Select); coding-DNA position 96, C replaced by T.
Protein change: p.Gly32=; no amino-acid change (glycine 32 retained).
Molecular consequence: synonymous variant.
Genome position (GRCh38, 1-based): chr17:78,574,962, G>A on the plus strand (C>T on the coding strand, the complement: DNAH17 is on the minus strand). VCF-style: chr17-78574962-G-A. GRCh37 (hg19) VCF-style: chr17-76571044-G-A.
Identifiers: ClinVar variation 3041923 (VCV003041923.2), dbSNP rs61744326, ClinGen allele CA8805789.